The following is an entry in ClinVar:

ClinVar aggregate classification (germline): Pathogenic/Likely pathogenic. Review status: criteria provided, multiple submitters, no conflicts (2 of 4 stars). 2 submissions from 2 submitters: Pathogenic (1); Likely pathogenic (1). Last evaluated 2023-07-06.

Conditions:
Cerebellar dysfunction with variable cognitive and behavioral abnormalities (CECBA). Also called: Nonprogressive cerebellar atxia with intellectual disability. Identifiers: Orphanet 314647, MedGen C3553661, MONDO:0013886, OMIM 614756.

Submissions (2):

Mayo Clinic Laboratories, Mayo Clinic
Classification: Likely pathogenic. Last evaluated: 2023-07-06. Review status: criteria provided, single submitter. Criteria: ACMG Guidelines, 2015. Collection method: clinical testing. Allele origin: germline. Observed: 1 variant allele.
Comment: PM2_moderate, PVS1

Centre de Biologie Pathologie Génétique, Centre Hospitalier Universitaire de Lille
Classification: Pathogenic for Cerebellar dysfunction with variable cognitive and behavioral abnormalities. Review status: criteria provided, single submitter. Criteria: ACMG Guidelines, 2015. Collection method: clinical testing. Allele origin: de novo. Affected: yes.

NM_015215.4(CAMTA1):c.4767del (p.Lys1589fs)

Gene: CAMTA1 (calmodulin binding transcription activator 1; plus strand). Cytogenetic location: 1p36.23.
Variant type: Deletion.
Coding change: c.4767del on transcript NM_015215.4 (MANE Select); coding-DNA position 4767, one base deleted (A; older notation c.4767delA).
Protein change: p.Lys1589fs; shifts the reading frame from lysine 1589.
Molecular consequence: frameshift variant.
Genome position (GRCh38, 1-based): chr1:7,751,276, A deleted; the last of 8 consecutive A bases (chr1:7,751,269-7,751,276); deleting any one gives the same sequence. VCF-style (leftmost placement, unchanged base first): chr1-7751268-CA-C. GRCh37 (hg19) VCF-style: chr1-7811328-CA-C.
Other names: p.Lys1589Asnfs*33; c.4677del, p.Lys1559fs (NM_001349608.2); c.4449del, p.Lys1483fs (NM_001349609.2, NM_001349610.2); c.4359del, p.Lys1453fs (NM_001349612.2); c.1896del, p.Lys632fs (NM_001349613.1); c.1860del, p.Lys620fs (NM_001349614.1, NM_001349615.2, NM_001349616.2); c.1839del, p.Lys613fs (NM_001349617.1, NM_001349618.2); c.1521del, p.Lys507fs (NM_001349619.2, NM_001349620.1, NM_001349621.1 and 1 more transcripts); and 1 more; short protein forms K1453fs, K1483fs, K1559fs, K1589fs, K500fs, K507fs, K613fs, K620fs.
Identifiers: ClinVar variation 1700201 (VCV001700201.2), dbSNP rs754008719, ClinGen allele CA415825827.